The following is an entry in ClinVar:

ClinVar aggregate classification (germline): Conflicting classifications of pathogenicity. Review status: criteria provided, conflicting classifications (1 of 4 stars). 2 submissions from 2 submitters: Uncertain significance (1); Likely benign (1). Last evaluated 2026-01-18.

Conditions:
Hereditary cancer-predisposing syndrome. Also called: Neoplastic Syndromes, Hereditary; Hereditary Cancer Syndrome; Tumor predisposition; Hereditary neoplastic syndrome. Identifiers: Orphanet 140162, MedGen C0027672, MeSH D009386, MONDO:0015356.

Allele frequency attached by ClinVar (database versions not stated): TOPMed below 0.00001; gnomAD exomes 0.00002 and 0.00004; ExAC 0.00003; gnomAD 0.00004; ESP Exome Variant Server 0.00008.
gnomAD v4.1: 36 of 1,610,160 alleles (0.0022%); highest among the groups gnomAD compares: Non-Finnish European, 0.001%; no homozygotes.

Submissions (2):

Labcorp Genetics (formerly Invitae), Labcorp
Classification: Uncertain significance. Last evaluated: 2026-01-18. Review status: criteria provided, single submitter. Criteria: Invitae Variant Classification Sherloc (09022015). Collection method: clinical testing. Allele origin: germline.
Comment: This sequence change replaces aspartic acid, which is acidic and polar, with asparagine, which is neutral and polar, at codon 351 of the MSH3 protein (p.Asp351Asn). This variant is present in population databases (rs373961048, gnomAD 0.03%). This variant has not been reported in the literature in individuals affected with MSH3-related conditions. ClinVar contains an entry for this variant (Variation ID: 944450). An algorithm developed to predict the effect of missense changes on protein structure and function (PolyPhen-2) suggests that this variant is likely to be tolerated. Algorithms developed to predict the effect of sequence changes on RNA splicing suggest that this variant may disrupt the consensus splice site. In summary, the available evidence is currently insufficient to determine the role of this variant in disease. Therefore, it has been classified as a Variant of Uncertain Significance.

Ambry Genetics
Classification: Likely benign for Hereditary cancer-predisposing syndrome. Last evaluated: 2024-03-19. Review status: criteria provided, single submitter. Criteria: Ambry Variant Classification Scheme 2023. Collection method: clinical testing. Allele origin: germline.

Literature cited by the submitters: PubMed 29212164 (cited by Ambry Genetics).

NM_002439.5(MSH3):c.1051G>A (p.Asp351Asn)

Gene: MSH3 (mutS homolog 3; plus strand). Cytogenetic location: 5q14.1.
Variant type: single nucleotide variant.
Coding change: c.1051G>A on transcript NM_002439.5 (MANE Select); coding-DNA position 1051, G replaced by A.
Protein change: p.Asp351Asn; replaces aspartic acid 351 with asparagine.
Molecular consequence: missense variant.
Genome position (GRCh38, 1-based): chr5:80,675,006, G>A. VCF-style: chr5-80675006-G-A. GRCh37 (hg19) VCF-style: chr5-79970825-G-A.
Other names: short protein forms D351N.
Identifiers: ClinVar variation 944450 (VCV000944450.10), dbSNP rs373961048, ClinGen allele CA3327788.